The following is an entry in ClinVar:

NM_000088.4(COL1A1):c.1875+3G>T

Gene: COL1A1 (collagen type I alpha 1 chain; minus strand). Cytogenetic location: 17q21.33.
Variant type: single nucleotide variant.
Coding change: c.1875+3G>T on transcript NM_000088.4 (MANE Select); 3 bases into the intron after coding-DNA position 1875, G replaced by T.
Molecular consequence: intron variant.
Genome position (GRCh38, 1-based): chr17:50,192,794, C>A on the plus strand (G>T on the coding strand, the complement: COL1A1 is on the minus strand). VCF-style: chr17-50192794-C-A. GRCh37 (hg19) VCF-style: chr17-48270155-C-A.
Identifiers: ClinVar variation 803434 (VCV000803434.49), dbSNP rs138164489, ClinGen allele CA8645055.
Genomic context (GRCh38, chr17:50,192,794, plus strand): 5'-GACGAGGGGCTGAGGGTGTCTCCCCTTTTCTGCTCCCCAGATCTCCCCATCAGGGACACT[C>A]ACAGCAGGGCCAGGGGGTCCCTGAGCTCCAGCCTCTCCATCTTTGCCAGCAGGACCCTGC-3'

ClinVar aggregate classification (germline): Conflicting classifications of pathogenicity. Review status: criteria provided, conflicting classifications (1 of 4 stars). 7 submissions from 7 submitters: Uncertain significance (4); Benign (1); Likely benign (2). Last evaluated 2026-04-08.

Conditions:
Cardiovascular phenotype. Identifiers: MedGen CN230736.
Osteogenesis imperfecta type I (OI1). Also called: OI, TYPE I; OSTEOGENESIS IMPERFECTA TARDA; OSTEOGENESIS IMPERFECTA WITH BLUE SCLERAE; Osteogenesis imperfecta type 1; Lobstein disease; Classic Non-deforming Osteogenesis Imperfecta with Blue Sclerae. Identifiers: Orphanet 216796, Orphanet 666, MedGen C0023931, MONDO:0008146, OMIM 166200. Disease mechanism: loss of function.

Allele frequency attached by ClinVar (database versions not stated): gnomAD 0.00001; gnomAD exomes 0.00004 and 0.00007; ExAC 0.00008; TOPMed 0.00008; ESP Exome Variant Server 0.00015; 1000 Genomes Project 30x 0.00031; 1000 Genomes Project 0.00040.
gnomAD v4.1: 105 of 1,614,116 alleles (0.0065%); highest among the groups gnomAD compares: Admixed American, 0.012%; no homozygotes.

Submissions (7):

Women's Health and Genetics/Laboratory Corporation of America, LabCorp
Classification: Benign. Last evaluated: 2026-04-08. Review status: criteria provided, single submitter. Criteria: LabCorp Variant Classification Summary - May 2015. Collection method: clinical testing. Allele origin: germline.
Comment: Variant summary: COL1A1 c.1875+3G>T alters a non-conserved nucleotide located close to a canonical splice site and therefore could affect mRNA splicing, leading to a significantly altered protein sequence. Several computational tools predict a significant impact on normal splicing: Four predict the variant abolishes a 5' splicing donor site. Two predict the variant creates a 3' acceptor site. However, these predictions have yet to be confirmed by functional studies. The variant allele was found at a frequency of 4.4e-05 in 251222 control chromosomes. The observed variant frequency exceeds the estimated maximal expected allele frequency for disease-causing variants in COL1A1. c.1875+3G>T has been observed in the presumed heterozygous state in individual(s) affected with Osteogenesis imperfecta type I (example, Maoli_2019) or idiopathic osteoporosis (example, Rouleau_2022) without strong evidence for causality. These report(s) do not provide unequivocal conclusions about association of the variant with COL1A1-related conditions. To our knowledge, no experimental evidence demonstrating an impact on protein function has been reported. The following publications have been ascertained in the context of this evaluation (PMID: 30886339, 35252483). ClinVar contains an entry for this variant (Variation ID: 803434). Based on the evidence outlined above, the variant was classified as benign.

Labcorp Genetics (formerly Invitae), Labcorp
Classification: Uncertain significance for Osteogenesis imperfecta type I. Last evaluated: 2025-12-15. Review status: criteria provided, single submitter. Criteria: Invitae Variant Classification Sherloc (09022015). Collection method: clinical testing. Allele origin: germline.
Comment: This sequence change falls in intron 27 of the COL1A1 gene. It does not directly change the encoded amino acid sequence of the COL1A1 protein. It affects a nucleotide within the consensus splice site. This variant is present in population databases (rs138164489, gnomAD 0.01%). This variant has been observed in individual(s) with idiopathic primary osteoporosis and/or osteogenesis imperfecta (PMID: 30886339, 35252483). ClinVar contains an entry for this variant (Variation ID: 803434). Variants that disrupt the consensus splice site are a relatively common cause of aberrant splicing (PMID: 17576681, 9536098). Algorithms developed to predict the effect of sequence changes on RNA splicing suggest that this variant may disrupt the consensus splice site. In summary, the available evidence is currently insufficient to determine the role of this variant in disease. Therefore, it has been classified as a Variant of Uncertain Significance.

Blueprint Genetics
Classification: Likely benign. Last evaluated: 2024-05-13. Review status: criteria provided, single submitter. Criteria: ACMG Guidelines, 2015. Collection method: clinical testing. Allele origin: germline.

Ambry Genetics
Classification: Uncertain significance for Cardiovascular phenotype. Last evaluated: 2022-06-03. Review status: criteria provided, single submitter. Criteria: Ambry Variant Classification Scheme 2023. Collection method: clinical testing. Allele origin: germline.
Comment: The c.1875+3G>T intronic variant results from a G to T substitution 3 nucleotides after coding exon 27 in the COL1A1 gene. This nucleotide position is poorly conserved in available vertebrate species. This variant has been detected in an individual reported to have osteogenesis imperfecta type I; however, details were limited (Maioli M et al. Eur J Hum Genet, 2019 07;27:1090-1100). In silico splice site analysis predicts that this alteration will not have any significant effect on splicing. Since supporting evidence is limited at this time, the clinical significance of this alteration remains unclear.

GeneDx
Classification: Uncertain significance. Last evaluated: 2021-07-02. Review status: criteria provided, single submitter. Criteria: GeneDx Variant Classification Process June 2021. Collection method: clinical testing. Allele origin: germline. Affected: yes.
Comment: Identified in a patient with osteogenesis imperfecta (OI) in the published literature (Maioli et al., 2019); In silico analysis, which includes splice predictors and evolutionary conservation, suggests this variant may impact gene splicing. In the absence of RNA/functional studies, the actual effect of this sequence change is unknown.; Reported in ClinVar but additional evidence is not available (ClinVar Variant ID#803434; Landrum et al., 2016); This variant is associated with the following publications: (PMID: 27535533, 30886339)

CeGaT Center for Human Genetics Tuebingen
Classification: Uncertain significance. Last evaluated: 2021-07-01. Review status: criteria provided, single submitter. Criteria: CeGaT Center For Human Genetics Tuebingen Variant Classification Criteria Version 2. Collection method: clinical testing. Allele origin: germline. Affected: yes. Observed: 1 variant allele.

Mendelics
Classification: Likely benign for Osteogenesis imperfecta type I. Last evaluated: 2019-05-28. Review status: criteria provided, single submitter. Criteria: Mendelics Assertion Criteria 2017. Collection method: clinical testing. Allele origin: unknown.

Literature cited by the submitters: PubMed 30886339 (cited by 3 submitters); PubMed 35252483 (cited by Women's Health and Genetics/Laboratory Corporation of America, LabCorp and Labcorp Genetics (formerly Invitae), Labcorp); PubMed 17576681 (cited by Labcorp Genetics (formerly Invitae), Labcorp); PubMed 9536098 (cited by Labcorp Genetics (formerly Invitae), Labcorp).